The following is an entry in ClinVar:

ClinVar aggregate classification (germline): Pathogenic (1 of 4 stars; one submission).

Conditions:
Bethlem myopathy 1A. Also called: MYOPATHY, BENIGN CONGENITAL, WITH CONTRACTURES; Bethlem myopathy 1; Bethlem Muscular Dystrophy. Identifiers: Orphanet 610, MedGen CN029274, MONDO:0024530, OMIM 158810.

Submission:

Labcorp Genetics (formerly Invitae), Labcorp
Classification: Pathogenic for Bethlem myopathy 1A. Last evaluated: 2025-06-24. Review status: criteria provided, single submitter. Criteria: Invitae Variant Classification Sherloc (09022015). Collection method: clinical testing. Allele origin: germline.
Comment: This sequence change affects a donor splice site in intron 15 of the COL6A3 gene. It is expected to disrupt RNA splicing. Variants that disrupt the donor or acceptor splice site typically lead to a loss of protein function (PMID: 16199547), and loss-of-function variants in COL6A3 are known to be pathogenic (PMID: 26004199). This variant is not present in population databases (gnomAD no frequency). Disruption of this splice site has been observed in individual(s) with clinical features of autosomal dominant COL6A3-related conditions (PMID: 18366090). In at least one individual the variant was observed to be de novo. Algorithms developed to predict the effect of sequence changes on RNA splicing suggest that this variant may disrupt the consensus splice site. For these reasons, this variant has been classified as Pathogenic.

Literature cited by the submitters: PubMed 16199547; PubMed 26004199; PubMed 18366090.

NM_004369.4(COL6A3):c.6156+2T>C

Gene: COL6A3 (collagen type VI alpha 3 chain; minus strand). Cytogenetic location: 2q37.3.
Variant type: single nucleotide variant.
Coding change: c.6156+2T>C on transcript NM_004369.4 (MANE Select); the canonical splice donor site of the intron after coding-DNA position 6156, T replaced by C.
Molecular consequence: splice donor variant.
Genome position (GRCh38, 1-based): chr2:237,361,737, A>G on the plus strand (T>C on the coding strand, the complement: COL6A3 is on the minus strand). VCF-style: chr2-237361737-A-G. GRCh37 (hg19) VCF-style: chr2-238270380-A-G.
Other names: c.4335+2T>C (NM_057166.5); c.5538+2T>C (NM_057167.4).
Identifiers: ClinVar variation 4747153 (VCV004747153.1).